The following is an entry in ClinVar:

NM_024426.6(WT1):c.-2T>A

Genes: WT1 (WT1 transcription factor; minus strand), LOC107982234 (WT1/WT1-AS bi-directional promoter region; plus strand). Cytogenetic location: 11p13.
Variant type: single nucleotide variant.
Coding change: c.-2T>A on transcript NM_024426.6 (MANE Select); 2 bases upstream of the start codon, T replaced by A.
Molecular consequence: 5 prime UTR variant. On other transcripts: non-coding transcript variant (2).
Genome position (GRCh38, 1-based): chr11:32,435,362, A>T on the plus strand (T>A on the coding strand, the complement: WT1 is on the minus strand). VCF-style: chr11-32435362-A-T. GRCh37 (hg19) VCF-style: chr11-32456908-A-T.
Other names: c.-2T>A (NM_000378.6, NM_001407044.1, NM_001407045.1 and 6 more transcripts); c.-221T>A (NM_001429031.1, NM_001429032.1, NM_001429033.1 and 1 more transcripts).
Identifiers: ClinVar variation 5032064 (VCV005032064.1).

ClinVar aggregate classification (germline): Uncertain significance (1 of 4 stars; one submission).

Conditions:
Inborn genetic diseases. Identifiers: MedGen C0950123, MeSH D030342.

Submission:

Ambry Genetics
Classification: Uncertain significance for Inborn genetic diseases. Last evaluated: 2026-09-03. Review status: criteria provided, single submitter. Criteria: Ambry Variant Classification Scheme 2023. Collection method: clinical testing. Allele origin: germline.
Comment: The c.-17T>A variant is located in the 5' untranslated region (5&rsquo; UTR) of the WT1 gene. This variant results from a T to A substitution 17 bases upstream from the first translated codon. This nucleotide position is well conserved in available vertebrate species. Based on the available evidence, the clinical significance of this variant remains unclear.